The following is an entry in ClinVar:

ClinVar aggregate classification (germline): Benign. Review status: criteria provided, multiple submitters, no conflicts (2 of 4 stars). 6 submissions from 6 submitters: Benign (5). 1 of the submissions does not count toward it. Last evaluated 2026-02-03.

Conditions:
Combined oxidative phosphorylation defect type 20. Also called: Combined oxidative phosphorylation deficiency 20. Identifiers: Orphanet 420728, MedGen C4014660, MONDO:0014397, OMIM 615917.

Allele frequency attached by ClinVar (database versions not stated): ESP Exome Variant Server 0.48068; gnomAD 0.50613 and 0.52075; TOPMed 0.50790; gnomAD exomes 0.54684 and 0.60870; 1000 Genomes Project 30x 0.60447; ExAC 0.60564; 1000 Genomes Project 0.61581.
gnomAD v4.1: 878,563 of 1,612,430 alleles (54%); highest among the groups gnomAD compares: East Asian, 81%; 246,146 homozygotes.

Submissions (6):

Labcorp Genetics (formerly Invitae), Labcorp
Classification: Benign. Last evaluated: 2026-02-03. Review status: criteria provided, single submitter. Criteria: Invitae Variant Classification Sherloc (09022015). Collection method: clinical testing. Allele origin: germline.

Blueprint Genetics
Classification: Benign. Last evaluated: 2024-11-27. Review status: criteria provided, single submitter. Criteria: ACMG Guidelines, 2015. Collection method: clinical testing. Allele origin: germline.

Unidad de Genómica Garrahan, Hospital de Pediatría Garrahan
Classification: Benign. Last evaluated: 2024-07-31. Review status: criteria provided, single submitter. Criteria: ACMG Guidelines, 2015. Collection method: clinical testing. Allele origin: germline. Affected: no. Observed: 84 variant alleles.
Comment: This variant is classified as Benign based on local population frequency. This variant was detected in 90% of patients studied in a panel designed for Epileptic and Developmental Encephalopathy, Progressive Myoclonus Epilepsy and Abnormal Movements and Neurodegeneration with brain iron accumulation. Number of patients: 84. Only high quality variants are reported.

Genome-Nilou Lab
Classification: Benign for Combined oxidative phosphorylation defect type 20. Last evaluated: 2021-12-05. Review status: criteria provided, single submitter. Criteria: ACMG Guidelines, 2015. Collection method: clinical testing. Allele origin: germline. Affected: no.

GeneDx
Classification: Benign. Last evaluated: 2015-12-22. Review status: criteria provided, single submitter. Criteria: GeneDx Variant Classification (06012015). Collection method: clinical testing. Allele origin: germline. Affected: yes.
Comment: This variant is considered likely benign or benign based on one or more of the following criteria: it is a conservative change, it occurs at a poorly conserved position in the protein, it is predicted to be benign by multiple in silico algorithms, and/or has population frequency not consistent with disease.

Mayo Clinic Laboratories, Mayo Clinic
Classification: Benign. Last evaluated: 2016-03-02. Review status: no assertion criteria provided. Collection method: clinical testing. Allele origin: unknown. Not counted in ClinVar's aggregate classification.

NM_020442.6(VARS2):c.2186-10T>C

Genes: VARS2 (valyl-tRNA synthetase 2, mitochondrial; plus strand), LOC126859646 (MED14-independent group 3 enhancer GRCh37_chr6:30889690-30890889; plus strand). Cytogenetic location: 6p21.33.
Variant type: single nucleotide variant.
Coding change: c.2186-10T>C on transcript NM_020442.6 (MANE Select); 10 bases into the intron before coding-DNA position 2186, T replaced by C.
Molecular consequence: intron variant.
Genome position (GRCh38, 1-based): chr6:30,923,094, T>C. VCF-style: chr6-30923094-T-C. GRCh37 (hg19) VCF-style: chr6-30890871-T-C.
Other names: c.2276-10T>C (NM_001167734.2); c.1766-10T>C (NM_001167733.3).
Identifiers: ClinVar variation 380159 (VCV000380159.17), dbSNP rs753725, ClinGen allele CA3706209.
Genomic context (GRCh38, chr6:30,923,094, plus strand): 5'-GCAGGGCAGGGGCAGGACTTCTGGTGCTGCTGCCACCTACATGCAGACTACCTCGATTCT[T>C]CCCTTCCAGCGGGCGACTTGCACCTGTCAGTCTCTGAGGTCCAGAGCTGCCGACATTTCT-3'